The following is an entry in ClinVar:

ClinVar aggregate classification (germline): Uncertain significance. Review status: criteria provided, multiple submitters, no conflicts (2 of 4 stars). 2 submissions from 2 submitters: Uncertain significance (2). Last evaluated 2025-01-14.

Conditions:
Hereditary spastic paraplegia 4. Also called: Spastic paraplegia 4, autosomal dominant; Familial spastic paraplegia autosomal dominant 2; Spastic Paraplegia 4. Identifiers: Orphanet 100985, MedGen C1866855, MONDO:0008438, OMIM 182601.
Inborn genetic diseases. Identifiers: MedGen C0950123, MeSH D030342.

Allele frequency attached by ClinVar (database versions not stated): gnomAD exomes 0.00001; gnomAD 0.00003; TOPMed 0.00003; 1000 Genomes Project 30x 0.00016; 1000 Genomes Project 0.00020.
gnomAD v4.1: 25 of 1,612,992 alleles (0.0015%); highest among the groups gnomAD compares: African/African-American, 0.004%; no homozygotes.

Submissions (2):

Ambry Genetics
Classification: Uncertain significance for Inborn genetic diseases. Last evaluated: 2025-01-14. Review status: criteria provided, single submitter. Criteria: Ambry Variant Classification Scheme 2023. Collection method: clinical testing. Allele origin: germline.

Labcorp Genetics (formerly Invitae), Labcorp
Classification: Uncertain significance for Hereditary spastic paraplegia 4. Last evaluated: 2024-02-25. Review status: criteria provided, single submitter. Criteria: Invitae Variant Classification Sherloc (09022015). Collection method: clinical testing. Allele origin: germline.
Comment: This sequence change replaces histidine, which is basic and polar, with leucine, which is neutral and non-polar, at codon 70 of the SPAST protein (p.His70Leu). This variant is present in population databases (rs202003376, gnomAD 0.004%). This variant has not been reported in the literature in individuals affected with SPAST-related conditions. Advanced modeling of protein sequence and biophysical properties (such as structural, functional, and spatial information, amino acid conservation, physicochemical variation, residue mobility, and thermodynamic stability) has been performed at Invitae for this missense variant, however the output from this modeling did not meet the statistical confidence thresholds required to predict the impact of this variant on SPAST protein function. In summary, the available evidence is currently insufficient to determine the role of this variant in disease. Therefore, it has been classified as a Variant of Uncertain Significance.

NM_014946.4(SPAST):c.209A>T (p.His70Leu)

Gene: SPAST (spastin; plus strand). Cytogenetic location: 2p22.3.
Variant type: single nucleotide variant.
Coding change: c.209A>T on transcript NM_014946.4 (MANE Select); coding-DNA position 209, A replaced by T.
Protein change: p.His70Leu; replaces histidine 70 with leucine.
Molecular consequence: missense variant.
Genome position (GRCh38, 1-based): chr2:32,064,040, A>T. VCF-style: chr2-32064040-A-T. GRCh37 (hg19) VCF-style: chr2-32289109-A-T.
Other names: c.209A>T, p.His70Leu (NM_001363823.2, NM_001363875.2, NM_001377959.1 and 1 more transcripts); short protein forms H70L.
Identifiers: ClinVar variation 2917344 (VCV002917344.4), dbSNP rs202003376, ClinGen allele CA45201395.